The following is an entry in ClinVar:

NM_000215.4(JAK3):c.958_959del (p.Val320fs)

Gene: JAK3 (Janus kinase 3; minus strand). Cytogenetic location: 19p13.11.
Variant type: Deletion.
Coding change: c.958_959del on transcript NM_000215.4 (MANE Select); coding-DNA positions 958 to 959, 2 bases deleted (GT; older notation c.958_959delGT).
Protein change: p.Val320fs; shifts the reading frame from valine 320.
Molecular consequence: frameshift variant.
Genome position (GRCh38, 1-based): chr19:17,841,665-17,841,666, AC deleted on the plus strand (GT on the coding strand, the reverse complement: JAK3 is on the minus strand); deleting any 2 consecutive bases within chr19:17,841,665-17,841,667 gives the same sequence; the c. name uses the placement nearest the transcript's 3' end. VCF-style (leftmost placement, unchanged base first): chr19-17841664-AAC-A. GRCh37 (hg19) VCF-style: chr19-17952473-AAC-A.
Other names: short protein forms V320fs.
Identifiers: ClinVar variation 2759186 (VCV002759186.5), dbSNP rs2514571932, ClinGen allele CA2697556401.

ClinVar aggregate classification (germline): Pathogenic/Likely pathogenic. Review status: criteria provided, multiple submitters, no conflicts (2 of 4 stars). 2 submissions from 2 submitters: Pathogenic (1); Likely pathogenic (1). Last evaluated 2024-10-10.

Conditions:
T-B+ severe combined immunodeficiency due to JAK3 deficiency. Also called: SCID, T CELL-NEGATIVE, B CELL-POSITIVE, NK CELL-NEGATIVE; SCID, autosomal recessive, T-negative/B-positive type. Identifiers: Orphanet 35078, MedGen C1833275, MONDO:0010938, OMIM 600802.

Submissions (2):

Dasa
Classification: Likely pathogenic for T-B+ severe combined immunodeficiency due to JAK3 deficiency. Last evaluated: 2024-10-10. Review status: criteria provided, single submitter. Criteria: DASA Assertion Criteria. Collection method: clinical testing. Allele origin: germline.
Comment: NM_000215.4(JAK3):c.958_959del (p.Val320Tyrfs*89) is a frameshift variant in JAK3 predicted to alter the reading frame and introduce a premature termination codon and is predicted to result in an absent or altered protein product. Loss of function is an established disease mechanism for JAK3-associated disorders. Also, this variant is absent from population databases. Based on the currently available evidence, this variant is classified as likely pathogenic.

Labcorp Genetics (formerly Invitae), Labcorp
Classification: Pathogenic for T-B+ severe combined immunodeficiency due to JAK3 deficiency. Last evaluated: 2023-06-02. Review status: criteria provided, single submitter. Criteria: Invitae Variant Classification Sherloc (09022015). Collection method: clinical testing. Allele origin: germline.
Comment: For these reasons, this variant has been classified as Pathogenic. This variant has not been reported in the literature in individuals affected with JAK3-related conditions. This sequence change creates a premature translational stop signal (p.Val320Tyrfs*89) in the JAK3 gene. It is expected to result in an absent or disrupted protein product. Loss-of-function variants in JAK3 are known to be pathogenic (PMID: 7481768, 11668621). This variant is not present in population databases (gnomAD no frequency).

Literature cited by the submitters: PubMed 7481768 (cited by Labcorp Genetics (formerly Invitae), Labcorp); PubMed 11668621 (cited by Labcorp Genetics (formerly Invitae), Labcorp).